The following is an entry in ClinVar:

ClinVar aggregate classification (germline): Uncertain significance. Review status: criteria provided, multiple submitters, no conflicts (2 of 4 stars). 2 submissions from 2 submitters: Uncertain significance (2). Last evaluated 2025-06-13.

Conditions:
Multiple endocrine neoplasia, type 2 (MEN2). Identifiers: Orphanet 653, MedGen C4048306, MONDO:0019003. Disease mechanism: gain of function.
Hereditary cancer-predisposing syndrome. Also called: Tumor predisposition; Hereditary neoplastic syndrome; Neoplastic Syndromes, Hereditary; Hereditary Cancer Syndrome. Identifiers: Orphanet 140162, MedGen C0027672, MeSH D009386, MONDO:0015356.

Submissions (2):

Ambry Genetics
Classification: Uncertain significance for Hereditary cancer-predisposing syndrome. Last evaluated: 2025-06-13. Review status: criteria provided, single submitter. Criteria: Ambry Variant Classification Scheme 2023. Collection method: clinical testing. Allele origin: germline.
Comment: The p.A447D variant (also known as c.1340C>A), located in coding exon 7 of the RET gene, results from a C to A substitution at nucleotide position 1340. The alanine at codon 447 is replaced by aspartic acid, an amino acid with dissimilar properties. This amino acid position is poorly conserved in available vertebrate species. In addition, this alteration is predicted to be tolerated by in silico analysis. Based on the available evidence, the clinical significance of this variant remains unclear.

Labcorp Genetics (formerly Invitae), Labcorp
Classification: Uncertain significance for Multiple endocrine neoplasia, type 2. Last evaluated: 2025-02-15. Review status: criteria provided, single submitter. Criteria: Invitae Variant Classification Sherloc (09022015). Collection method: clinical testing. Allele origin: germline.
Comment: This sequence change replaces alanine, which is neutral and non-polar, with aspartic acid, which is acidic and polar, at codon 447 of the RET protein (p.Ala447Asp). This variant is not present in population databases (gnomAD no frequency). This variant has not been reported in the literature in individuals affected with RET-related conditions. ClinVar contains an entry for this variant (Variation ID: 818895). An algorithm developed to predict the effect of missense changes on protein structure and function (PolyPhen-2) suggests that this variant is likely to be tolerated. In summary, the available evidence is currently insufficient to determine the role of this variant in disease. Therefore, it has been classified as a Variant of Uncertain Significance.

NM_020975.6(RET):c.1340C>A (p.Ala447Asp)

Gene: RET (ret proto-oncogene; plus strand). Cytogenetic location: 10q11.21.
Variant type: single nucleotide variant.
Coding change: c.1340C>A on transcript NM_020975.6 (MANE Select); coding-DNA position 1340, C replaced by A.
Protein change: p.Ala447Asp; replaces alanine 447 with aspartic acid.
Molecular consequence: missense variant.
Genome position (GRCh38, 1-based): chr10:43,111,283, C>A. VCF-style: chr10-43111283-C-A. GRCh37 (hg19) VCF-style: chr10-43606731-C-A.
Other names: c.1340C>A, p.Ala447Asp (NM_001406760.1, NM_001406763.1, NM_001406765.1 and 6 more transcripts); c.1211C>A, p.Ala404Asp (NM_001406761.1, NM_001406762.1, NM_001406768.1 and 1 more transcripts); c.1052C>A, p.Ala351Asp (NM_001406770.1, NM_001406767.1, NM_001406766.1); c.902C>A, p.Ala301Asp (NM_001406771.1, NM_001406773.1); c.944C>A, p.Ala315Asp (NM_001406769.1, NM_001406772.1); c.578C>A, p.Ala193Asp (NM_001355216.2); c.815C>A, p.Ala272Asp (NM_001406774.1); c.614C>A, p.Ala205Asp (NM_001406775.1, NM_001406776.1, NM_001406777.1 and 1 more transcripts); and 1 more; short protein forms A447D, A193D, A272D, A404D, A117D, A205D, A301D, A315D.
Identifiers: ClinVar variation 818895 (VCV000818895.12), dbSNP rs1588871155, ClinGen allele CA376549080.